The following is an entry in ClinVar:

ClinVar aggregate classification (germline): Uncertain significance. Review status: reviewed by expert panel (3 of 4 stars). 3 submissions from 3 submitters: Uncertain significance (1). 2 of the submissions do not count toward it. Last evaluated 2025-05-02.

Conditions:
Hereditary thrombocytopenia and hematological cancer predisposition syndrome associated with RUNX1. Also called: Familial Platelet Disorder with Propensity to Acute Myelogenous Leukemia; Familial thrombocytopenia with propensity to acute myelogenous leukemia; PLATELET DISORDER, ASPIRIN-LIKE; RUNX1 Familial Platelet Disorder with Associated Myeloid Malignancies. Identifiers: Orphanet 71290, MedGen C1832388, MeSH C563324, MONDO:0100083, OMIM 601399.
Hereditary thrombocytopenia and hematologic cancer predisposition syndrome. Identifiers: Orphanet 71290, MedGen CN281654, MONDO:0011071.

Allele frequency attached by ClinVar (database versions not stated): TOPMed below 0.00001.

Submissions (3):

ClinGen Myeloid Malignancy Variant Curation Expert Panel
Classification: Uncertain significance for Hereditary thrombocytopenia and hematologic cancer predisposition syndrome. Last evaluated: 2025-05-02. Review status: reviewed by expert panel. Criteria: ClinGen MyeloMalig ACMG Specifications v2. Collection method: curation. Allele origin: germline. Inheritance: Autosomal dominant inheritance.
Comment: NM_001754.5(RUNX1):c.431T>C (p.Leu144Pro) is a missense variant which is completely absent from all population databases with at least 20x coverage for RUNX1 (PM2_Supporting). The variant has a REVEL score ≥ 0.88 (0.97) (PP3). This missense variant is located within the Runt Homology Domain (AA 89-204), but does not occur in an established hotspot residue (PM1_Supporting). In summary, this variant meets criteria to be classified as a variant of uncertain significance. ACMG/AMP criteria applied, as specified by the Myeloid Malignancy Variant Curation Expert Panel for RUNX1: PM2_Supporting, PP3, PM1_Supporting.

Genomic Medicine Center of Excellence, King Faisal Specialist Hospital and Research Centre
Classification: Uncertain significance for Hereditary thrombocytopenia and hematological cancer predisposition syndrome associated with RUNX1. Last evaluated: 2025-09-10. Review status: criteria provided, single submitter. Criteria: ACMG Guidelines, 2015. Collection method: clinical testing. Allele origin: germline. Not counted in ClinVar's aggregate classification.

Labcorp Genetics (formerly Invitae), Labcorp
Classification: Uncertain significance for Hereditary thrombocytopenia and hematological cancer predisposition syndrome associated with RUNX1. Last evaluated: 2022-11-09. Review status: criteria provided, single submitter. Criteria: Invitae Variant Classification Sherloc (09022015). Collection method: clinical testing. Allele origin: germline. Not counted in ClinVar's aggregate classification.
Comment: This sequence change replaces leucine, which is neutral and non-polar, with proline, which is neutral and non-polar, at codon 144 of the RUNX1 protein (p.Leu144Pro). This variant is not present in population databases (gnomAD no frequency). This missense change has been observed in individual(s) with RUNX1-related conditions (PMID: 12874780). This variant is also known as Leu117Pro. Advanced modeling of protein sequence and biophysical properties (such as structural, functional, and spatial information, amino acid conservation, physicochemical variation, residue mobility, and thermodynamic stability) has been performed at Invitae for this missense variant, however the output from this modeling did not meet the statistical confidence thresholds required to predict the impact of this variant on RUNX1 protein function. Experimental studies have shown that this missense change affects RUNX1 function (PMID: 23817177). In summary, the available evidence is currently insufficient to determine the role of this variant in disease. Therefore, it has been classified as a Variant of Uncertain Significance.

Literature cited by the submitters: PubMed 12874780 (cited by Labcorp Genetics (formerly Invitae), Labcorp); PubMed 23817177 (cited by Labcorp Genetics (formerly Invitae), Labcorp).

NM_001754.5(RUNX1):c.431T>C (p.Leu144Pro)

Genes: RUNX1 (RUNX family transcription factor 1; minus strand), RUNX1-AS1 (RUNX1 antisense RNA 1; plus strand). Cytogenetic location: 21q22.12.
Variant type: single nucleotide variant.
Coding change: c.431T>C on transcript NM_001754.5 (MANE Select); coding-DNA position 431, T replaced by C.
Protein change: p.Leu144Pro; replaces leucine 144 with proline.
Molecular consequence: missense variant.
Genome position (GRCh38, 1-based): chr21:34,880,634, A>G on the plus strand (T>C on the coding strand, the complement: RUNX1 is on the minus strand). VCF-style: chr21-34880634-A-G. GRCh37 (hg19) VCF-style: chr21-36252931-A-G.
Other names: NM_001754.5(RUNX1):c.431T>C; p.Leu144Pro; c.350T>C, p.Leu117Pro (NM_001001890.3, NM_001122607.2); short protein forms L117P, L144P.
Identifiers: ClinVar variation 2813100 (VCV002813100.5), dbSNP rs979009101, ClinGen allele CA320637976.